The following is an entry in ClinVar:

NM_000070.3(CAPN3):c.1308_1326del (p.Arg437fs)

Gene: CAPN3 (calpain 3; plus strand). Cytogenetic location: 15q15.1.
Variant type: Deletion.
Coding change: c.1308_1326del on transcript NM_000070.3 (MANE Select); coding-DNA positions 1308 to 1326, 19 bases deleted (CCGCTGGGTACGGGGTTGC).
Protein change: p.Arg437fs; shifts the reading frame from arginine 437.
Molecular consequence: frameshift variant.
Genome position (GRCh38, 1-based): chr15:42,399,606-42,399,624, CCGCTGGGTACGGGGTTGC deleted. VCF-style (leftmost placement, unchanged base first): chr15-42399605-GCCGCTGGGTACGGGGTTGC-G. GRCh37 (hg19) VCF-style: chr15-42691803-GCCGCTGGGTACGGGGTTGC-G.
Other names: c.1308_1326del, p.Arg437fs (NM_024344.2); c.1164_1182del, p.Arg389fs (NM_173087.2); short protein forms R389fs, R437fs.
Identifiers: ClinVar variation 4063949 (VCV004063949.2).

ClinVar aggregate classification (germline): Likely pathogenic (1 of 4 stars; one submission).

Conditions:
Autosomal recessive limb-girdle muscular dystrophy type 2A (LGMDR1). Also called: LEYDEN-MOEBIUS MUSCULAR DYSTROPHY; MUSCULAR DYSTROPHY, PELVOFEMORAL; Limb-girdle muscular dystrophy, type 2A; Calpainopathy; Muscular dystrophy, limb-girdle, type 2A, Amish. Identifiers: Orphanet 267, MedGen C1869123, MONDO:0009675, OMIM 253600. Disease mechanism: loss of function.

Submission:

Natera, Inc.
Classification: Likely pathogenic for Limb-girdle muscular dystrophy type 2A. Last evaluated: 2025-04-18. Review status: criteria provided, single submitter. Criteria: Natera Variant Classification Schema (03/2026). Collection method: clinical testing. Allele origin: germline.
Comment: The c.1308_1326del variant in CAPN3 is a frameshift variant predicted to shift the reading frame beginning at codon 437 and leads to a stop codon 20 codons downstream. This variant is expected to result in nonsense mediated decay, truncation, or a dysfunctional protein product. This variant is rare in the general population with a frequency below the threshold expected for the associated phenotype(s). Given the available evidence, this variant is classified as Likely Pathogenic.